The following is an entry in ClinVar:

NM_014191.4(SCN8A):c.1831C>T (p.Arg611Trp)

Gene: SCN8A (sodium voltage-gated channel alpha subunit 8; plus strand). Cytogenetic location: 12q13.13.
Variant type: single nucleotide variant.
Coding change: c.1831C>T on transcript NM_014191.4 (MANE Plus Clinical); coding-DNA position 1831, C replaced by T.
Protein change: p.Arg611Trp; replaces arginine 611 with tryptophan.
Genome position (GRCh38, 1-based): chr12:51,721,741, C>T. VCF-style: chr12-51721741-C-T. GRCh37 (hg19) VCF-style: chr12-52115525-C-T.
Other names: c.1831C>T, p.Arg611Trp (NM_001177984.3, NM_001330260.2, NM_001369788.1); short protein forms R611W.
Identifiers: ClinVar variation 1691796 (VCV001691796.2), dbSNP rs745847594, ClinGen allele CA6571339.

ClinVar aggregate classification (germline): Uncertain significance (1 of 4 stars; one submission).

Allele frequency attached by ClinVar (database versions not stated): gnomAD 0.00001; gnomAD exomes 0.00001; ExAC 0.00003.
gnomAD v4.1: 37 of 1,605,820 alleles (0.0023%); highest among the groups gnomAD compares: South Asian, 0.0044%; no homozygotes.

Submission:

GeneDx
Classification: Uncertain significance. Last evaluated: 2021-12-14. Review status: criteria provided, single submitter. Criteria: GeneDx Variant Classification Process June 2021. Collection method: clinical testing. Allele origin: germline. Affected: yes.
Comment: Reported previously in a sample from the Autism Spectrum/Intellectual Disability network cohort; however, no clinical or segregation information was provided (Wang et al., 2020); Missense variants in this gene are often considered pathogenic (HGMD); In silico analysis supports that this missense variant has a deleterious effect on protein structure/function; This substitution is predicted to be in the cytoplasmic loop between the first and second homologous domains; This variant is associated with the following publications: (PMID: 33004838)